The following is an entry in ClinVar:

NM_001100913.3(PACS2):c.1050G>A (p.Pro350=)

Gene: PACS2 (phosphofurin acidic cluster sorting protein 2; plus strand). Cytogenetic location: 14q32.33.
Variant type: single nucleotide variant.
Coding change: c.1050G>A on transcript NM_001100913.3 (MANE Select); coding-DNA position 1050, G replaced by A.
Protein change: p.Pro350=; no amino-acid change (proline 350 retained).
Molecular consequence: synonymous variant.
Genome position (GRCh38, 1-based): chr14:105,379,829, G>A. VCF-style: chr14-105379829-G-A. GRCh37 (hg19) VCF-style: chr14-105846166-G-A.
Other names: c.825G>A, p.Pro275= (NM_001243127.3); c.1050G>A, p.Pro350= (NM_015197.4).
Identifiers: ClinVar variation 1404538 (VCV001404538.4), dbSNP rs782325438, ClinGen allele CA7388683.

ClinVar aggregate classification (germline): Uncertain significance (1 of 4 stars; one submission).

Allele frequency attached by ClinVar (database versions not stated): gnomAD exomes below 0.00001 and 0.00002; ExAC 0.00001; gnomAD 0.00001.
gnomAD v4.1: 27 of 1,612,368 alleles (0.0017%); highest among the groups gnomAD compares: East Asian, 0.0022%; no homozygotes.

Submission:

Labcorp Genetics (formerly Invitae), Labcorp
Classification: Uncertain significance. Last evaluated: 2021-12-22. Review status: criteria provided, single submitter. Criteria: Invitae Variant Classification Sherloc (09022015). Collection method: clinical testing. Allele origin: germline.
Comment: This sequence change affects codon 350 of the PACS2 mRNA. It is a 'silent' change, meaning that it does not change the encoded amino acid sequence of the PACS2 protein. This variant also falls at the last nucleotide of exon 10, which is part of the consensus splice site for this exon. This variant is present in population databases (rs782325438, gnomAD 0.005%). This variant has not been reported in the literature in individuals affected with PACS2-related conditions. Variants that disrupt the consensus splice site are a relatively common cause of aberrant splicing (PMID: 17576681, 9536098). Algorithms developed to predict the effect of sequence changes on RNA splicing suggest that this variant may disrupt the consensus splice site. In summary, the available evidence is currently insufficient to determine the role of this variant in disease. Therefore, it has been classified as a Variant of Uncertain Significance.

Literature cited by the submitters: PubMed 17576681; PubMed 9536098.